The following is an entry in ClinVar:

NM_000135.4(FANCA):c.2248G>C (p.Val750Leu)

Gene: FANCA (FA complementation group A; minus strand). Cytogenetic location: 16q24.3.
Variant type: single nucleotide variant.
Coding change: c.2248G>C on transcript NM_000135.4 (MANE Select); coding-DNA position 2248, G replaced by C.
Protein change: p.Val750Leu; replaces valine 750 with leucine.
Molecular consequence: missense variant.
Genome position (GRCh38, 1-based): chr16:89,770,234, C>G on the plus strand (G>C on the coding strand, the complement: FANCA is on the minus strand). VCF-style: chr16-89770234-C-G. GRCh37 (hg19) VCF-style: chr16-89836642-C-G.
Other names: c.2248G>C, p.Val750Leu (NM_001286167.3); short protein forms V750L.
Identifiers: ClinVar variation 1692207 (VCV001692207.1), dbSNP rs747723074, ClinGen allele CA397445528.
Genomic context (GRCh38, chr16:89,770,234, plus strand): 5'-GGAGCAGCTGGCAGAGCCGGGTGAGCACTGCAGGGAGCACACGTCCACACATGGTCCTCA[C>G]GAAGAGGGCAGCCCAGGGACCCTGCCTGCAGAGACAGCCGTGAAACCATCAGTACTAGCC-3'
Protein context (NP_000126.2, residues 740-760): ERQGPWAALF[Val750Leu]RTMCGRVLPA

ClinVar aggregate classification (germline): Uncertain significance (1 of 4 stars; one submission).

Conditions:
Fanconi anemia (FA). Also called: Fanconi's anemia. Identifiers: Orphanet 84, MedGen C0015625, MeSH D005199, MONDO:0019391.

Submission:

Sema4
Classification: Uncertain significance for Fanconi anemia. Last evaluated: 2022-02-15. Review status: criteria provided, single submitter. Criteria: Sema4 Curation Guidelines. Collection method: curation. Allele origin: germline.
Comment: The FANCA c.2248G>C (p.V750L) variant has not been reported in the literature to our knowledge. It was not observed in the large and broad cohorts of the Genome Aggregation Database. The variant has not been reported in ClinVar. Functional studies have not been performed, and in silico predictions of the variant's effect on protein function are inconclusive. The evidence is insufficient to meet ACMG/AMP criteria for classifying the variant as benign or pathogenic. Thus, the clinical significance of this variant is currently uncertain.